The following is an entry in ClinVar:

NM_198904.4(GABRG2):c.1128+4T>C

Gene: GABRG2 (gamma-aminobutyric acid type A receptor subunit gamma2; plus strand). Cytogenetic location: 5q34.
Variant type: single nucleotide variant.
Coding change: c.1128+4T>C on transcript NM_198904.4 (MANE Select); 4 bases into the intron after coding-DNA position 1128, T replaced by C.
Molecular consequence: intron variant.
Genome position (GRCh38, 1-based): chr5:162,149,317, T>C. VCF-style: chr5-162149317-T-C. GRCh37 (hg19) VCF-style: chr5-161576323-T-C.
Other names: c.843+4T>C (NM_001375349.1); c.1248+4T>C (NM_001375343.1, NM_198903.2); c.1167+4T>C (NM_001375344.1); c.1062+4T>C (NM_001375346.1, NM_001375345.1); c.1041+4T>C (NM_001375347.1); c.923-2413T>C (NM_001375340.1); c.1125+4T>C (NM_001375341.1, NM_001375342.1); c.708+4T>C (NM_001375350.1, NM_001375348.1); and 2 more.
Identifiers: ClinVar variation 3757717 (VCV003757717.2).

ClinVar aggregate classification (germline): Uncertain significance (1 of 4 stars; one submission).

Conditions:
Febrile seizures, familial, 8 (FEB8). Also called: CONVULSIONS, FAMILIAL FEBRILE, 8. Identifiers: Orphanet 36387, MedGen C1969810, MONDO:0011891, OMIM 607681.
EPILEPSY, CHILDHOOD ABSENCE, SUSCEPTIBILITY TO, 2 (ECA2). Identifiers: Orphanet 64280, MedGen C1843244, OMIM 607681.

Submission:

Labcorp Genetics (formerly Invitae), Labcorp
Classification: Uncertain significance for Febrile seizures, familial, 8; EPILEPSY, CHILDHOOD ABSENCE, SUSCEPTIBILITY TO, 2. Last evaluated: 2024-10-09. Review status: criteria provided, single submitter. Criteria: Invitae Variant Classification Sherloc (09022015). Collection method: clinical testing. Allele origin: germline.
Comment: This sequence change falls in intron 8 of the GABRG2 gene. It does not directly change the encoded amino acid sequence of the GABRG2 protein. It affects a nucleotide within the consensus splice site. This variant is not present in population databases (gnomAD no frequency). This variant has not been reported in the literature in individuals affected with GABRG2-related conditions. Variants that disrupt the consensus splice site are a relatively common cause of aberrant splicing (PMID: 17576681, 9536098). Algorithms developed to predict the effect of sequence changes on RNA splicing suggest that this variant is not likely to affect RNA splicing. In summary, the available evidence is currently insufficient to determine the role of this variant in disease. Therefore, it has been classified as a Variant of Uncertain Significance.

Literature cited by the submitters: PubMed 17576681; PubMed 9536098.